The following is an entry in ClinVar:

ClinVar aggregate classification (germline): Uncertain significance (1 of 4 stars; one submission).

Allele frequency attached by ClinVar (database versions not stated): ExAC 0.00001; TOPMed 0.00001; gnomAD 0.00003; gnomAD exomes 0.00004; ESP Exome Variant Server 0.00008.
gnomAD v4.1: 58 of 1,614,130 alleles (0.0036%); highest among the groups gnomAD compares: Non-Finnish European, 0.0047%; no homozygotes.

Submission:

Labcorp Genetics (formerly Invitae), Labcorp
Classification: Uncertain significance. Last evaluated: 2022-06-12. Review status: criteria provided, single submitter. Criteria: Invitae Variant Classification Sherloc (09022015). Collection method: clinical testing. Allele origin: germline.
Comment: This sequence change replaces isoleucine, which is neutral and non-polar, with valine, which is neutral and non-polar, at codon 392 of the SGPL1 protein (p.Ile392Val). This variant is present in population databases (rs145259998, gnomAD 0.004%). This variant has not been reported in the literature in individuals affected with SGPL1-related conditions. Algorithms developed to predict the effect of missense changes on protein structure and function output the following: SIFT: "Tolerated"; PolyPhen-2: "Benign"; Align-GVGD: "Class C0". The valine amino acid residue is found in multiple mammalian species, which suggests that this missense change does not adversely affect protein function. In summary, the available evidence is currently insufficient to determine the role of this variant in disease. Therefore, it has been classified as a Variant of Uncertain Significance.

NM_003901.4(SGPL1):c.1174A>G (p.Ile392Val)

Gene: SGPL1 (sphingosine-1-phosphate lyase 1; plus strand). Cytogenetic location: 10q22.1.
Variant type: single nucleotide variant.
Coding change: c.1174A>G on transcript NM_003901.4 (MANE Select); coding-DNA position 1174, A replaced by G.
Protein change: p.Ile392Val; replaces isoleucine 392 with valine.
Molecular consequence: missense variant.
Genome position (GRCh38, 1-based): chr10:70,873,465, A>G. VCF-style: chr10-70873465-A-G. GRCh37 (hg19) VCF-style: chr10-72633222-A-G.
Other names: short protein forms I392V.
Identifiers: ClinVar variation 2040742 (VCV002040742.1), dbSNP rs145259998, ClinGen allele CA5541393.